The following is an entry in ClinVar:

ClinVar aggregate classification (germline): Benign. Review status: criteria provided, multiple submitters, no conflicts (2 of 4 stars). 2 submissions from 2 submitters: Benign (2). Last evaluated 2018-01-12.

Conditions:
Warburg micro syndrome 3 (WARBM3). Also called: MICRO SYNDROME 3. Identifiers: Orphanet 2510, MedGen C3280203, MONDO:0013638, OMIM 614222.

Allele frequency attached by ClinVar (database versions not stated): gnomAD exomes 0.21510 and 0.19542; 1000 Genomes Project 30x 0.23017; gnomAD 0.17476 and 0.17947; TOPMed 0.18542; ExAC 0.23421; 1000 Genomes Project 0.23383.
gnomAD v4.1: 86,041 of 453,632 alleles (19%); highest among the groups gnomAD compares: East Asian, 33%; 8,892 homozygotes.

Submissions (2):

Illumina Laboratory Services, Illumina
Classification: Benign for Warburg micro syndrome 3. Last evaluated: 2018-01-12. Review status: criteria provided, single submitter. Criteria: ICSL Variant Classification Criteria 13 December 2019. Collection method: clinical testing. Allele origin: germline.
Comment: This variant was observed in the ICSL laboratory as part of a predisposition screen in an ostensibly healthy population. It had not been previously curated by ICSL or reported in the Human Gene Mutation Database (HGMD: prior to June 1st, 2018), and was therefore a candidate for classification through an automated scoring system. Utilizing variant allele frequency, disease prevalence and penetrance estimates, and inheritance mode, an automated score was calculated to assess if this variant is too frequent to cause the disease. Based on the score and internal cut-off values, a variant classified as benign is not then subjected to further curation. The score for this variant resulted in a classification of benign for this disease.

Breakthrough Genomics
Classification: Benign. Review status: criteria provided, single submitter. Criteria: ACMG Guidelines, 2015. Collection method: not provided. Allele origin: germline. Inheritance: Autosomal recessive inheritance. Affected: yes.

NM_021252.5(RAB18):c.*3476A>G

Gene: RAB18 (RAB18, member RAS oncogene family; plus strand). Cytogenetic location: 10p12.1.
Variant type: single nucleotide variant.
Coding change: c.*3476A>G on transcript NM_021252.5 (MANE Select); 3476 bases downstream of the stop codon, A replaced by G.
Molecular consequence: 3 prime UTR variant. On other transcripts: non-coding transcript variant (1).
Genome position (GRCh38, 1-based): chr10:27,541,527, A>G. VCF-style: chr10-27541527-A-G. GRCh37 (hg19) VCF-style: chr10-27830456-A-G.
Other names: c.*3476A>G (NM_001256410.2, NM_001256412.2); c.*3436A>G (NM_001256411.2).
Identifiers: ClinVar variation 299871 (VCV000299871.6), dbSNP rs11597728, ClinGen allele CA5452584.
Genomic context (GRCh38, chr10:27,541,527, plus strand): 5'-CAGTCATGTTTCTGATTGTGGTATAAAGTTTGCTTAAGTGCCCCTTAGTTAAAGCTGTTC[A>G]ATGAATGTAAGCACACACACACCTACACACATATTTTGAATAGTCGTGTGTTCATGCCTG-3'